The following is an entry in ClinVar:

ClinVar aggregate classification (germline): Uncertain significance (1 of 4 stars; one submission).

Conditions:
Cardiomyopathy (CMYO). Also called: Cardiomyopathies. Identifiers: Orphanet 167848, MedGen C0878544, MONDO:0004994, HP:0001638. Inheritance: Various modes of inheritance.

Submission:

Color Diagnostics, LLC DBA Color Health
Classification: Uncertain significance for Cardiomyopathy. Last evaluated: 2019-07-20. Review status: criteria provided, single submitter. Criteria: ACMG Guidelines, 2015. Collection method: clinical testing. Allele origin: germline.
Comment: This variant is located in the 3' untranslated region of the TPM1 gene. To our knowledge, functional studies have not been performed for this variant nor has this variant been reported in individuals affected with cardiovascular disorders in the literature. This variant has not been identified in the general population by the Genome Aggregation Database (gnomAD). Available evidence is insufficient to determine the role of this variant in disease conclusively. Therefore, this variant is classified as a Variant of Uncertain Significance.

NC_000015.10:g.63069884C>G

Gene: TPM1 (tropomyosin 1; plus strand). Cytogenetic location: 15q22.2.
Variant type: single nucleotide variant.
Molecular consequence: missense variant (on NM_001018008.2). On other transcripts: non-coding transcript variant (5), intron variant (8).
Genome position: GRCh38 VCF-style: chr15-63069884-C-G. GRCh37 (hg19) VCF-style: chr15-63362083-C-G.
Other names: c.679C>G, p.Gln227Glu (NM_001018008.2, NM_001330351.2); c.787C>G, p.Gln263Glu (NM_001365776.1, NM_001407336.1, NM_001407337.1 and 1 more transcripts); c.899-1206C>G (NM_001365778.1); c.773-1206C>G (NM_001018020.2, NM_001018007.2, NM_001018006.2 and 1 more transcripts); c.852-1206C>G (NM_001407326.1); c.665-1206C>G (NM_001330344.2, NM_001301289.2); short protein forms Q227E, Q263E.
Identifiers: ClinVar variation 922689 (VCV000922689.4), dbSNP rs771167283, ClinGen allele CA392726839.
Genomic context (GRCh38, chr15:63,069,884, plus strand): 5'-CTTCCTTCTGCCTCTTTTCTGCTAACCTGCTTGCTGACCTGTACAGATCAACTCTACCAG[C>G]AACTTGAGCAAAATCGCCGCCTCACTAATGAACTAAAGCTGGCCCTGAATGAGGATTAAA-3'